The following is an entry in ClinVar:

ClinVar aggregate classification (germline): Uncertain significance (1 of 4 stars; one submission).

Conditions:
Immunodeficiency 60. Also called: IMMUNODEFICIENCY 60 AND AUTOIMMUNITY; IMMUNODEFICIENCY AND AUTOIMMUNITY, BACH2-RELATED. Identifiers: MedGen C5193072, MONDO:0032723, OMIM 618394.

Submission:

Laboratorio de Genetica e Diagnostico Molecular, Hospital Israelita Albert Einstein
Classification: Uncertain significance for Immunodeficiency 60. Last evaluated: 2022-06-03. Review status: criteria provided, single submitter. Criteria: ACMG Guidelines, 2015. Collection method: clinical testing. Allele origin: germline. Affected: yes. Observed: 1 variant allele.
Comment: ACMG classification criteria: PM2 moderated, BP4 supporting

NM_021813.4(BACH2):c.801G>T (p.Lys267Asn)

Gene: BACH2 (BTB domain and CNC homolog 2; minus strand). Cytogenetic location: 6q15.
Variant type: single nucleotide variant.
Coding change: c.801G>T on transcript NM_021813.4 (MANE Select); coding-DNA position 801, G replaced by T.
Protein change: p.Lys267Asn; replaces lysine 267 with asparagine.
Molecular consequence: missense variant.
Genome position (GRCh38, 1-based): chr6:89,951,305, C>A on the plus strand (G>T on the coding strand, the complement: BACH2 is on the minus strand). VCF-style: chr6-89951305-C-A. GRCh37 (hg19) VCF-style: chr6-90661024-C-A.
Other names: c.801G>T, p.Lys267Asn (NM_001170794.2); short protein forms K267N.
Identifiers: ClinVar variation 2431834 (VCV002431834.1), dbSNP rs1426691201, ClinGen allele CA365072200.
Genomic context (GRCh38, chr6:89,951,305, plus strand): 5'-CTCTTCCTCATTCTCTTCACTGGGCGGCTCACTTTTAATCTGCCCCCTGGCAAGCCCCGG[C>A]TTGAGGCTGTTGCTAGAGTTATCTTCCCGGAATGTGCTTGCAAAACCTGAGGTACTGTGT-3'
Protein context (NP_068585.1, residues 257-277): FREDNSSNSL[Lys267Asn]PGLARGQIKS